The following is an entry in ClinVar:

NM_001292034.3(TAB2):c.772A>G (p.Thr258Ala)

Genes: TAB2 (TGF-beta activated kinase 1 (MAP3K7) binding protein 2; plus strand), LOC126859827 (BRD4-independent group 4 enhancer GRCh37_chr6:149699707-149700906; plus strand). Cytogenetic location: 6q25.1.
Variant type: single nucleotide variant.
Coding change: c.772A>G on transcript NM_001292034.3 (MANE Select); coding-DNA position 772, A replaced by G.
Protein change: p.Thr258Ala; replaces threonine 258 with alanine.
Molecular consequence: missense variant.
Genome position (GRCh38, 1-based): chr6:149,378,687, A>G. VCF-style: chr6-149378687-A-G. GRCh37 (hg19) VCF-style: chr6-149699823-A-G.
Other names: c.676A>G, p.Thr226Ala (NM_001292035.3); c.772A>G, p.Thr258Ala (NM_001369506.1, NM_015093.6); short protein forms T258A, T226A.
Identifiers: ClinVar variation 3173216 (VCV003173216.3), dbSNP rs1781494704, ClinGen allele CA365996755.
Genomic context (GRCh38, chr6:149,378,687, plus strand): 5'-CAGTTTAATCCCATGAACCCTCAGCAAGTTTATCAGCCTTCACAGCCTGGTCCCTGGACT[A>G]CTTGTCCTGCATCTAATCCTCTGTCACATACCTCATCTCAACAGCCAAATCAGCAAGGCC-3'
Protein context (NP_001278963.1, residues 248-268): YQPSQPGPWT[Thr258Ala]CPASNPLSHT

ClinVar aggregate classification (germline): Uncertain significance. Review status: criteria provided, multiple submitters, no conflicts (2 of 4 stars). 2 submissions from 2 submitters: Uncertain significance (2). Last evaluated 2024-05-17.

Conditions:
Inborn genetic diseases. Identifiers: MedGen C0950123, MeSH D030342.

Allele frequency attached by ClinVar (database versions not stated): gnomAD exomes below 0.00001; TOPMed 0.00001.
gnomAD v4.1: 1 of 1,613,926 alleles (0.000062%); highest among the groups gnomAD compares: Non-Finnish European, 0.000085%; no homozygotes.

Submissions (2):

Labcorp Genetics (formerly Invitae), Labcorp
Classification: Uncertain significance. Last evaluated: 2024-05-17. Review status: criteria provided, single submitter. Criteria: Invitae Variant Classification Sherloc (09022015). Collection method: clinical testing. Allele origin: germline.
Comment: This sequence change replaces threonine, which is neutral and polar, with alanine, which is neutral and non-polar, at codon 258 of the TAB2 protein (p.Thr258Ala). This variant is not present in population databases (gnomAD no frequency). This variant has not been reported in the literature in individuals affected with TAB2-related conditions. Advanced modeling of protein sequence and biophysical properties (such as structural, functional, and spatial information, amino acid conservation, physicochemical variation, residue mobility, and thermodynamic stability) performed at Invitae indicates that this missense variant is not expected to disrupt TAB2 protein function with a negative predictive value of 80%. In summary, the available evidence is currently insufficient to determine the role of this variant in disease. Therefore, it has been classified as a Variant of Uncertain Significance.

Ambry Genetics
Classification: Uncertain significance for Inborn genetic diseases. Last evaluated: 2023-11-17. Review status: criteria provided, single submitter. Criteria: Ambry Variant Classification Scheme 2023. Collection method: clinical testing. Allele origin: germline.